The following is an entry in ClinVar:

NM_002317.7(LOX):c.263G>A (p.Arg88His)

Genes: LOX (lysyl oxidase; minus strand), SRFBP1 (serum response factor binding protein 1; plus strand). Cytogenetic location: 5q23.1.
Variant type: single nucleotide variant.
Coding change: c.263G>A on transcript NM_002317.7 (MANE Select); coding-DNA position 263, G replaced by A.
Protein change: p.Arg88His; replaces arginine 88 with histidine.
Molecular consequence: missense variant.
Genome position (GRCh38, 1-based): chr5:122,077,723, C>T on the plus strand (G>A on the coding strand, the complement: LOX is on the minus strand). VCF-style: chr5-122077723-C-T. GRCh37 (hg19) VCF-style: chr5-121413418-C-T.
Other names: c.263G>A (NM_002317.5); short protein forms R88H.
Identifiers: ClinVar variation 1306458 (VCV001306458.12), dbSNP rs369178929, ClinGen allele CA3384084.

ClinVar aggregate classification (germline): Conflicting classifications of pathogenicity. Review status: criteria provided, conflicting classifications (1 of 4 stars). 3 submissions from 3 submitters: Uncertain significance (2); Likely benign (1). Last evaluated 2025-08-03.

Conditions:
Cardiovascular phenotype. Identifiers: MedGen CN230736.

Allele frequency attached by ClinVar (database versions not stated): gnomAD 0.00004 and 0.00005; gnomAD exomes 0.00004; TOPMed 0.00005; ExAC 0.00007; ESP Exome Variant Server 0.00017.
gnomAD v4.1: 40 of 1,582,398 alleles (0.0025%); highest among the groups gnomAD compares: Admixed American, 0.0071%; no homozygotes.

Submissions (3):

Labcorp Genetics (formerly Invitae), Labcorp
Classification: Uncertain significance. Last evaluated: 2025-08-03. Review status: criteria provided, single submitter. Criteria: Invitae Variant Classification Sherloc (09022015). Collection method: clinical testing. Allele origin: germline.
Comment: This sequence change replaces arginine, which is basic and polar, with histidine, which is basic and polar, at codon 88 of the LOX protein (p.Arg88His). The frequency data for this variant in the population databases is considered unreliable, as metrics indicate poor data quality at this position in the gnomAD database. This variant has not been reported in the literature in individuals affected with LOX-related conditions. ClinVar contains an entry for this variant (Variation ID: 1306458). Invitae Evidence Modeling of protein sequence and biophysical properties (such as structural, functional, and spatial information, amino acid conservation, physicochemical variation, residue mobility, and thermodynamic stability) indicates that this missense variant is not expected to disrupt LOX protein function with a negative predictive value of 95%. In summary, the available evidence is currently insufficient to determine the role of this variant in disease. Therefore, it has been classified as a Variant of Uncertain Significance.

Ambry Genetics
Classification: Likely benign for Cardiovascular phenotype. Last evaluated: 2025-05-26. Review status: criteria provided, single submitter. Criteria: Ambry Variant Classification Scheme 2023. Collection method: clinical testing. Allele origin: germline.

GeneDx
Classification: Uncertain significance. Last evaluated: 2019-06-11. Review status: criteria provided, single submitter. Criteria: GeneDx Variant Classification Process June 2021. Collection method: clinical testing. Allele origin: germline. Affected: yes.
Comment: Has not been previously published as pathogenic or benign to our knowledge; In silico analysis, which includes protein predictors and evolutionary conservation, supports that this variant does not alter protein structure/function